The following is an entry in ClinVar:

ClinVar aggregate classification (germline): Uncertain significance (1 of 4 stars; one submission).

Conditions:
Epilepsy, childhood absence, susceptibility to, 1. Also called: Epilepsy, childhood absence 1. Identifiers: Orphanet 64280, MedGen C1838604, MONDO:0020759, OMIM 600131.
Epilepsy, childhood absence, susceptibility to, 5. Identifiers: Orphanet 64280, MedGen C2677087, MONDO:0012843, OMIM 612269.

Submission:

Labcorp Genetics (formerly Invitae), Labcorp
Classification: Uncertain significance for Epilepsy, childhood absence, susceptibility to, 5; Epilepsy, childhood absence, susceptibility to, 1. Last evaluated: 2023-05-21. Review status: criteria provided, single submitter. Criteria: Invitae Variant Classification Sherloc (09022015). Collection method: clinical testing. Allele origin: germline.
Comment: In summary, the available evidence is currently insufficient to determine the role of this variant in disease. Therefore, it has been classified as a Variant of Uncertain Significance. An algorithm developed to predict the effect of missense changes on protein structure and function (PolyPhen-2) suggests that this variant is likely to be disruptive. ClinVar contains an entry for this variant (Variation ID: 2125255). This variant has not been reported in the literature in individuals affected with GABRB3-related conditions. This variant is not present in population databases (gnomAD no frequency). This sequence change replaces glycine, which is neutral and non-polar, with valine, which is neutral and non-polar, at codon 58 of the GABRB3 protein (p.Gly58Val).

NM_000814.6(GABRB3):c.173G>T (p.Gly58Val)

Gene: GABRB3 (gamma-aminobutyric acid type A receptor subunit beta3; minus strand). Cytogenetic location: 15q12.
Variant type: single nucleotide variant.
Coding change: c.173G>T on transcript NM_000814.6 (MANE Select); coding-DNA position 173, G replaced by T.
Protein change: p.Gly58Val; replaces glycine 58 with valine.
Molecular consequence: missense variant. On other transcripts: 5 prime UTR variant (1).
Genome position (GRCh38, 1-based): chr15:26,772,469, C>A on the plus strand (G>T on the coding strand, the complement: GABRB3 is on the minus strand). VCF-style: chr15-26772469-C-A. GRCh37 (hg19) VCF-style: chr15-27017616-C-A.
Other names: c.-179G>T (NM_001278631.2); c.173G>T, p.Gly58Val (NM_021912.5); short protein forms G58V.
Identifiers: ClinVar variation 2125255 (VCV002125255.4), dbSNP rs2504094130, ClinGen allele CA391465311.